The following is an entry in ClinVar:

NM_032119.4(ADGRV1):c.6275-10T>A

Gene: ADGRV1 (adhesion G protein-coupled receptor V1; plus strand). Cytogenetic location: 5q14.3.
Variant type: single nucleotide variant.
Coding change: c.6275-10T>A on transcript NM_032119.4 (MANE Select); 10 bases into the intron before coding-DNA position 6275, T replaced by A.
Molecular consequence: intron variant.
Genome position (GRCh38, 1-based): chr5:90,685,770, T>A. VCF-style: chr5-90685770-T-A. GRCh37 (hg19) VCF-style: chr5-89981587-T-A.
Identifiers: ClinVar variation 2010316 (VCV002010316.4), dbSNP rs2530842804, ClinGen allele CA2580073742.

ClinVar aggregate classification (germline): Uncertain significance (1 of 4 stars; one submission).

Submission:

Labcorp Genetics (formerly Invitae), Labcorp
Classification: Uncertain significance. Last evaluated: 2022-07-12. Review status: criteria provided, single submitter. Criteria: Invitae Variant Classification Sherloc (09022015). Collection method: clinical testing. Allele origin: germline.
Comment: This variant has not been reported in the literature in individuals affected with ADGRV1-related conditions. In summary, the available evidence is currently insufficient to determine the role of this variant in disease. Therefore, it has been classified as a Variant of Uncertain Significance. Algorithms developed to predict the effect of sequence changes on RNA splicing suggest that this variant may disrupt the consensus splice site. This variant is not present in population databases (gnomAD no frequency). This sequence change falls in intron 28 of the ADGRV1 gene. It does not directly change the encoded amino acid sequence of the ADGRV1 protein.